The following is an entry in ClinVar:

ClinVar aggregate classification (germline): Uncertain significance (1 of 4 stars; one submission).

Conditions:
Cardiovascular phenotype. Identifiers: MedGen CN230736.

Allele frequency attached by ClinVar (database versions not stated): gnomAD exomes below 0.00001.
gnomAD v4.1: 1 of 1,613,640 alleles (0.000062%); highest among the groups gnomAD compares: Non-Finnish European, 0.000085%; no homozygotes.

Submission:

Ambry Genetics
Classification: Uncertain significance for Cardiovascular phenotype. Last evaluated: 2024-01-18. Review status: criteria provided, single submitter. Criteria: Ambry Variant Classification Scheme 2023. Collection method: clinical testing. Allele origin: germline.
Comment: The c.793+1G>A intronic variant results from a G to A substitution one nucleotide after coding exon 8 of the TRDN gene. This nucleotide position is highly conserved in available vertebrate species. In silico splice site analysis predicts that this alteration will weaken the native splice donor site. Alterations that disrupt the canonical splice site are expected to cause aberrant splicing, resulting in an abnormal protein or a transcript that is subject to nonsense-mediated mRNA decay. However, in the predominant cardiac isoform of TRDN (NM_001256021.1; Kobayashi YM et al. J. Biol. Chem., 1999 Oct;274:28660-8), this alteration results in a missense change and is not expected to impact splicing. Since supporting evidence is limited at this time, the clinical significance of this alteration remains unclear.

NM_006073.4(TRDN):c.793+1G>A

Gene: TRDN (triadin; minus strand). Cytogenetic location: 6q22.31.
Variant type: single nucleotide variant.
Coding change: c.793+1G>A on transcript NM_006073.4 (MANE Select); the canonical splice donor site of the intron after coding-DNA position 793, G replaced by A.
Molecular consequence: splice donor variant. On other transcripts: missense variant (1).
Genome position (GRCh38, 1-based): chr6:123,503,718, C>T on the plus strand (G>A on the coding strand, the complement: TRDN is on the minus strand). VCF-style: chr6-123503718-C-T. GRCh37 (hg19) VCF-style: chr6-123824863-C-T.
Other names: c.794G>A, p.Gly265Asp (NM_001256021.2); c.793+1G>A (NM_001407315.1, NM_001251987.2, NM_001256020.2); short protein forms G265D.
Identifiers: ClinVar variation 3225252 (VCV003225252.1), dbSNP rs113849244, ClinGen allele CA147287300.